The following is an entry in ClinVar:

ClinVar aggregate classification (germline): Uncertain significance (1 of 4 stars; one submission).

Allele frequency attached by ClinVar (database versions not stated): gnomAD exomes below 0.00001.
gnomAD v4.1: 1 of 1,605,728 alleles (0.000062%); highest among the groups gnomAD compares: Non-Finnish European, 0.000085%; no homozygotes.

Submission:

Women's Health and Genetics/Laboratory Corporation of America, LabCorp
Classification: Uncertain significance. Last evaluated: 2023-05-05. Review status: criteria provided, single submitter. Criteria: LabCorp Variant Classification Summary - May 2015. Collection method: clinical testing. Allele origin: germline.
Comment: Variant summary: TTC37 c.236G>T (p.Gly79Val) results in a non-conservative amino acid change in the encoded protein sequence. Five of five in-silico tools predict a damaging effect of the variant on protein function. 4/4 computational tools predict no significant impact on normal splicing. However, these predictions have yet to be confirmed by functional studies. The variant was absent in 250578 control chromosomes (gnomAD). The available data on variant occurrences in the general population are insufficient to allow any conclusion about variant significance. c.236G>T has been reported in the literature in a patient from an early onset inflammatory bowel disease cohort, however with a non-informative genotype (Kelsen_2015) . This report does not provide unequivocal conclusions about association of the variant with Trichohepatoenteric Syndrome. To our knowledge, no experimental evidence demonstrating an impact on protein function has been reported. The following publication has been ascertained in the context of this evaluation (PMID: 26193622). No clinical diagnostic laboratories have submitted clinical-significance assessments for this variant to ClinVar after 2014. Based on the evidence outlined above, the variant was classified as uncertain significance.

Literature cited by the submitters: PubMed 26193622.

NM_014639.4(SKIC3):c.236G>T (p.Gly79Val)

Gene: SKIC3 (SKI3 subunit of superkiller complex; minus strand). Cytogenetic location: 5q15.
Variant type: single nucleotide variant.
Coding change: c.236G>T on transcript NM_014639.4 (MANE Select); coding-DNA position 236, G replaced by T.
Protein change: p.Gly79Val; replaces glycine 79 with valine.
Molecular consequence: missense variant.
Genome position (GRCh38, 1-based): chr5:95,541,905, C>A on the plus strand (G>T on the coding strand, the complement: SKIC3 is on the minus strand). VCF-style: chr5-95541905-C-A. GRCh37 (hg19) VCF-style: chr5-94877609-C-A.
Other names: short protein forms G79V.
Identifiers: ClinVar variation 2506346 (VCV002506346.1), dbSNP rs2530806336, ClinGen allele CA360445274.
Genomic context (GRCh38, chr5:95,541,905, plus strand): 5'-ACACCAGGCAAGTCATCCTTAGCATTTATGTGATTATATTTCTCATACAAGTTTGCTAAC[C>A]CCTAAAAGAAGAAGTACTCATGATTATTCTTTTTCCTAAAACATTTGCTGTTCTCACATT-3'
Protein context (NP_055454.1, residues 69-89): LEPDQLLAWQ[Gly79Val]LANLYEKYNH